The following is an entry in ClinVar:

NM_001128.6(AP1G1):c.1833G>T (p.Glu611Asp)

Gene: AP1G1 (adaptor related protein complex 1 subunit gamma 1; minus strand). Cytogenetic location: 16q22.2.
Variant type: single nucleotide variant.
Coding change: c.1833G>T on transcript NM_001128.6 (MANE Select); coding-DNA position 1833, G replaced by T.
Protein change: p.Glu611Asp; replaces glutamic acid 611 with aspartic acid.
Molecular consequence: missense variant.
Genome position (GRCh38, 1-based): chr16:71,745,512, C>A on the plus strand (G>T on the coding strand, the complement: AP1G1 is on the minus strand). VCF-style: chr16-71745512-C-A. GRCh37 (hg19) VCF-style: chr16-71779415-C-A.
Other names: c.1842G>T, p.Glu614Asp (NM_001030007.2); short protein forms E611D, E614D.
Identifiers: ClinVar variation 3898000 (VCV003898000.1).

ClinVar aggregate classification (germline): Uncertain significance (1 of 4 stars; one submission).

Conditions:
Usmani-Riazuddin syndrome, autosomal dominant (USRISD). Identifiers: MedGen C5561952, MONDO:0859174, OMIM 619467.

gnomAD v4.1: 1 of 1,614,168 alleles (0.000062%); no homozygotes.

Submission:

Neuberg Centre For Genomic Medicine, NCGM
Classification: Uncertain significance for Usmani-Riazuddin syndrome, autosomal dominant. Last evaluated: 2024-02-01. Review status: criteria provided, single submitter. Criteria: ACMG Guidelines, 2015. Collection method: clinical testing. Allele origin: germline. Inheritance: Autosomal dominant inheritance.
Comment: The above variant has not been reported previously as a pathogenic variant nor as a benign variant, to our knowledge. For these reasons, this variant has been classified as a Variant of Uncertain Significance (VUS).